The following is an entry in ClinVar:

NM_001378452.1(ITPR1):c.1834G>A (p.Ala612Thr)

Gene: ITPR1 (inositol 1,4,5-trisphosphate receptor type 1; plus strand). Cytogenetic location: 3p26.1.
Variant type: single nucleotide variant.
Coding change: c.1834G>A on transcript NM_001378452.1 (MANE Select); coding-DNA position 1834, G replaced by A.
Protein change: p.Ala612Thr; replaces alanine 612 with threonine.
Molecular consequence: missense variant.
Genome position (GRCh38, 1-based): chr3:4,667,497, G>A. VCF-style: chr3-4667497-G-A. GRCh37 (hg19) VCF-style: chr3-4709181-G-A.
Other names: c.1834G>A, p.Ala612Thr (NM_001099952.4); c.1789G>A, p.Ala597Thr (NM_001168272.2, NM_002222.7); short protein forms A597T, A612T.
Identifiers: ClinVar variation 2504298 (VCV002504298.1), dbSNP rs768979444, ClinGen allele CA2231271.

ClinVar aggregate classification (germline): Uncertain significance (1 of 4 stars; one submission).

Allele frequency attached by ClinVar (database versions not stated): ExAC 0.00001; gnomAD 0.00001; gnomAD exomes 0.00001.
gnomAD v4.1: 11 of 1,613,588 alleles (0.00068%); highest among the groups gnomAD compares: Admixed American, 0.0017%; no homozygotes.

Submission:

GeneDx
Classification: Uncertain significance. Last evaluated: 2022-07-15. Review status: criteria provided, single submitter. Criteria: GeneDx Variant Classification Process June 2021. Collection method: clinical testing. Allele origin: germline. Affected: yes.
Comment: In silico analysis supports that this missense variant has a deleterious effect on protein structure/function; Has not been previously published as pathogenic or benign to our knowledge